The following is an entry in ClinVar:

NM_012330.4(KAT6B):c.375C>T (p.Ser125=)

Gene: KAT6B (lysine acetyltransferase 6B; plus strand). Cytogenetic location: 10q22.2.
Variant type: single nucleotide variant.
Coding change: c.375C>T on transcript NM_012330.4 (MANE Select); coding-DNA position 375, C replaced by T.
Protein change: p.Ser125=; no amino-acid change (serine 125 retained).
Molecular consequence: synonymous variant. On other transcripts: 5 prime UTR variant (2).
Genome position (GRCh38, 1-based): chr10:74,843,232, C>T. VCF-style: chr10-74843232-C-T. GRCh37 (hg19) VCF-style: chr10-76602990-C-T.
Other names: c.375C>T, p.Ser125= (NM_001256468.2, NM_001256469.2, NM_001370132.1 and 10 more transcripts); c.-164C>T (NM_001370134.1, NM_001370135.1).
Identifiers: ClinVar variation 300856 (VCV000300856.39), dbSNP rs41314998, ClinGen allele CA5564206.
Genomic context (GRCh38, chr10:74,843,232, plus strand): 5'-GGATTGGAATAAACTTTTAAGGAGAGCAATTGAAGGACTTGAGGAGCCGAATGGCTCCTC[C>T]CTGAAGAACATAGAGAAGTATCTCAGAAGTCAAAGTGATCTCACAAGCACCACCAACAAC-3'
Protein context (NP_036462.2, residues 115-135): IEGLEEPNGS[Ser125=]LKNIEKYLRS

ClinVar aggregate classification (germline): Benign/Likely benign. Review status: criteria provided, multiple submitters, no conflicts (2 of 4 stars). 7 submissions from 7 submitters: Benign (4); Likely benign (2). 1 of the submissions does not count toward it. Last evaluated 2026-04-01.

Conditions:
Genitopatellar syndrome (GTPTS). Also called: Genitopatellar syndrome (GPS); ABSENT PATELLAE, SCROTAL HYPOPLASIA, RENAL ANOMALIES, FACIAL DYSMORPHISM, AND MENTAL RETARDATION. Identifiers: Orphanet 85201, MedGen C1853566, MONDO:0011640, OMIM 606170.
Blepharophimosis - intellectual disability syndrome, SBBYS type (SBBYSS). Also called: SBBYSS syndrome; Ohdo syndrome, SBBYS variant; Say-Barber-Biesecker-Young-Simpson variant of Ohdo Syndrome; Say-Barber-Biesecker Variant of Ohdo Syndrome; Say-Barber-Biesecker-Young-Simpson syndrome; Say-Barber-Biesecker variant of Ohdo syndrome (SBBYSS). Identifiers: Orphanet 3047, MedGen C1863557, MONDO:0011365, OMIM 603736.
KAT6B-related disorder. Also called: KAT6B-related disorders; KAT6B-related condition.

Allele frequency attached by ClinVar (database versions not stated): ExAC 0.00234; gnomAD 0.00249 and 0.00269; ESP Exome Variant Server 0.00338; 1000 Genomes Project 0.00060; 1000 Genomes Project 30x 0.00078; TOPMed 0.00225; gnomAD exomes 0.00226.
gnomAD v4.1: 6,547 of 1,614,206 alleles (0.41%); highest among the groups gnomAD compares: Non-Finnish European, 0.52%; 24 homozygotes.

Submissions (7):

CeGaT Center for Human Genetics Tuebingen
Classification: Benign. Last evaluated: 2026-04-01. Review status: criteria provided, single submitter. Criteria: CeGaT Center For Human Genetics Tuebingen Variant Classification Criteria Version 2. Collection method: clinical testing. Allele origin: germline. Affected: yes. Observed: 8 variant alleles.
Comment: KAT6B: BP4, BP7, BS1, BS2

Labcorp Genetics (formerly Invitae), Labcorp
Classification: Benign for Genitopatellar syndrome. Last evaluated: 2026-02-01. Review status: criteria provided, single submitter. Criteria: Invitae Variant Classification Sherloc (09022015). Collection method: clinical testing. Allele origin: germline.

Blueprint Genetics
Classification: Likely benign. Last evaluated: 2024-11-27. Review status: criteria provided, single submitter. Criteria: ACMG Guidelines, 2015. Collection method: clinical testing. Allele origin: germline.

Fulgent Genetics
Classification: Likely benign for Blepharophimosis - intellectual disability syndrome, SBBYS type; Genitopatellar syndrome. Last evaluated: 2021-09-17. Review status: criteria provided, single submitter. Criteria: ACMG Guidelines, 2015. Collection method: clinical testing. Allele origin: unknown.

GeneDx
Classification: Benign. Last evaluated: 2016-11-18. Review status: criteria provided, single submitter. Criteria: GeneDx Variant Classification (06012015). Collection method: clinical testing. Allele origin: germline. Affected: yes.
Comment: This variant is considered likely benign or benign based on one or more of the following criteria: it is a conservative change, it occurs at a poorly conserved position in the protein, it is predicted to be benign by multiple in silico algorithms, and/or has population frequency not consistent with disease.

Breakthrough Genomics
Classification: Benign. Review status: criteria provided, single submitter. Criteria: ACMG Guidelines, 2015. Collection method: not provided. Allele origin: germline. Inheritance: Autosomal dominant inheritance. Affected: yes.

PreventionGenetics, part of Exact Sciences
Classification: Benign for KAT6B-related condition. Last evaluated: 2019-05-29. Review status: no assertion criteria provided. Collection method: clinical testing. Allele origin: germline. Not counted in ClinVar's aggregate classification.
Comment: This variant is classified as benign based on ACMG/AMP sequence variant interpretation guidelines (Richards et al. 2015 PMID: 25741868, with internal and published modifications).